The following is an entry in ClinVar:

NM_001267550.2(TTN):c.66152A>C (p.Asn22051Thr)

Genes: TTN (titin; minus strand), TTN-AS1 (TTN antisense RNA 1; plus strand). Cytogenetic location: 2q31.2.
Variant type: single nucleotide variant.
Coding change: c.66152A>C on transcript NM_001267550.2 (MANE Select); coding-DNA position 66152, A replaced by C.
Protein change: p.Asn22051Thr; replaces asparagine 22051 with threonine.
Molecular consequence: missense variant.
Genome position (GRCh38, 1-based): chr2:178,582,304, T>G on the plus strand (A>C on the coding strand, the complement: TTN is on the minus strand). VCF-style: chr2-178582304-T-G. GRCh37 (hg19) VCF-style: chr2-179447031-T-G.
Other names: c.61229A>C, p.Asn20410Thr (NM_001256850.1); c.38957A>C, p.Asn12986Thr (NM_003319.4); c.58448A>C, p.Asn19483Thr (NM_133378.4); c.39332A>C, p.Asn13111Thr (NM_133432.3); c.39533A>C, p.Asn13178Thr (NM_133437.4); short protein forms N19483T, N20410T, N12986T, N13178T, N22051T, N13111T.
Identifiers: ClinVar variation 1735927 (VCV001735927.2), dbSNP rs2469022761, ClinGen allele CA349429771.

ClinVar aggregate classification (germline): Uncertain significance (1 of 4 stars; one submission).

Conditions:
Cardiovascular phenotype. Identifiers: MedGen CN230736.

Allele frequency attached by ClinVar (database versions not stated): gnomAD exomes below 0.00001.
gnomAD v4.1: 1 of 1,584,596 alleles (0.000063%); highest among the groups gnomAD compares: Non-Finnish European, 0.000086%; no homozygotes.

Submission:

Ambry Genetics
Classification: Uncertain significance for Cardiovascular phenotype. Last evaluated: 2018-10-18. Review status: criteria provided, single submitter. Criteria: Ambry Variant Classification Scheme 2023. Collection method: clinical testing. Allele origin: germline.
Comment: The p.N12986T variant (also known as c.38957A>C), located in coding exon 141 of the TTN gene, results from an A to C substitution at nucleotide position 38957. The asparagine at codon 12986 is replaced by threonine, an amino acid with similar properties. This amino acid position is highly conserved in available vertebrate species. In addition, this alteration is predicted to be tolerated by in silico analysis. Since supporting evidence is limited at this time, the clinical significance of this alteration remains unclear.